The following is an entry in ClinVar:

NM_005356.5(LCK):c.1190G>C (p.Arg397Thr)

Gene: LCK (LCK proto-oncogene, Src family tyrosine kinase; plus strand). Cytogenetic location: 1p35.2.
Variant type: single nucleotide variant.
Coding change: c.1190G>C on transcript NM_005356.5 (MANE Select); coding-DNA position 1190, G replaced by C.
Protein change: p.Arg397Thr; replaces arginine 397 with threonine.
Molecular consequence: missense variant.
Genome position (GRCh38, 1-based): chr1:32,279,989, G>C. VCF-style: chr1-32279989-G-C. GRCh37 (hg19) VCF-style: chr1-32745590-G-C.
Other names: c.1190G>C, p.Arg397Thr (NM_001042771.3); c.1037G>C, p.Arg346Thr (NM_001330468.2); short protein forms R346T, R397T.
Identifiers: ClinVar variation 855896 (VCV000855896.7), dbSNP rs146452317, ClinGen allele CA741297.

ClinVar aggregate classification (germline): Uncertain significance (1 of 4 stars; one submission).

Conditions:
Severe combined immunodeficiency due to LCK deficiency. Also called: Immunodeficiency 22. Identifiers: Orphanet 280142, MedGen C4014233, MONDO:0014334, OMIM 615758.

Allele frequency attached by ClinVar (database versions not stated): gnomAD exomes below 0.00001; ExAC 0.00001; gnomAD 0.00002; TOPMed 0.00002; ESP Exome Variant Server 0.00008.
gnomAD v4.1: 10 of 1,614,068 alleles (0.00062%); highest among the groups gnomAD compares: Non-Finnish European, 0.00085%; no homozygotes.

Submission:

Labcorp Genetics (formerly Invitae), Labcorp
Classification: Uncertain significance for Severe combined immunodeficiency due to LCK deficiency. Last evaluated: 2021-08-27. Review status: criteria provided, single submitter. Criteria: Invitae Variant Classification Sherloc (09022015). Collection method: clinical testing. Allele origin: germline.
Comment: This sequence change replaces arginine with threonine at codon 397 of the LCK protein (p.Arg397Thr). The arginine residue is highly conserved and there is a moderate physicochemical difference between arginine and threonine. This variant is present in population databases (rs146452317, ExAC 0.001%). This variant has not been reported in the literature in individuals affected with LCK-related conditions. Algorithms developed to predict the effect of missense changes on protein structure and function (SIFT, PolyPhen-2, Align-GVGD) all suggest that this variant is likely to be disruptive. In summary, the available evidence is currently insufficient to determine the role of this variant in disease. Therefore, it has been classified as a Variant of Uncertain Significance.